The following is an entry in ClinVar:

NM_000372.5(TYR):c.682G>A (p.Asp228Asn)

Gene: TYR (tyrosinase; plus strand). Cytogenetic location: 11q14.3.
Variant type: single nucleotide variant.
Coding change: c.682G>A on transcript NM_000372.5 (MANE Select); coding-DNA position 682, G replaced by A.
Protein change: p.Asp228Asn; replaces aspartic acid 228 with asparagine.
Molecular consequence: missense variant.
Genome position (GRCh38, 1-based): chr11:89,178,635, G>A. VCF-style: chr11-89178635-G-A. GRCh37 (hg19) VCF-style: chr11-88911803-G-A.
Other names: short protein forms D228N.
Identifiers: ClinVar variation 1360996 (VCV001360996.3), dbSNP rs767644694, ClinGen allele CA226290694.
Genomic context (GRCh38, chr11:89,178,635, plus strand): 5'-CTGCCTTGGCATAGACTCTTCTTGTTGCGGTGGGAACAAGAAATCCAGAAGCTGACAGGA[G>A]ATGAAAACTTCACTATTCCATATTGGGACTGGCGGGATGCAGAAAAGTGTGACATTTGCA-3'
Protein context (NP_000363.1, residues 218-238): WEQEIQKLTG[Asp228Asn]ENFTIPYWDW

ClinVar aggregate classification (germline): Uncertain significance (1 of 4 stars; one submission).

Allele frequency attached by ClinVar (database versions not stated): gnomAD exomes below 0.00001 and 0.00001; gnomAD 0.00001.

Submission:

Labcorp Genetics (formerly Invitae), Labcorp
Classification: Uncertain significance. Last evaluated: 2022-03-09. Review status: criteria provided, single submitter. Criteria: Invitae Variant Classification Sherloc (09022015). Collection method: clinical testing. Allele origin: germline.
Comment: This sequence change replaces aspartic acid, which is acidic and polar, with asparagine, which is neutral and polar, at codon 228 of the TYR protein (p.Asp228Asn). This variant is present in population databases (rs767644694, gnomAD 0.0009%). This variant has not been reported in the literature in individuals affected with TYR-related conditions. Algorithms developed to predict the effect of missense changes on protein structure and function (SIFT, PolyPhen-2, Align-GVGD) all suggest that this variant is likely to be tolerated. In summary, the available evidence is currently insufficient to determine the role of this variant in disease. Therefore, it has been classified as a Variant of Uncertain Significance.